The following is an entry in ClinVar:

NM_001211.6(BUB1B):c.805A>C (p.Asn269His)

Gene: BUB1B (BUB1 mitotic checkpoint serine/threonine kinase B; plus strand). Cytogenetic location: 15q15.1.
Variant type: single nucleotide variant.
Coding change: c.805A>C on transcript NM_001211.6 (MANE Select); coding-DNA position 805, A replaced by C.
Protein change: p.Asn269His; replaces asparagine 269 with histidine.
Molecular consequence: missense variant.
Genome position (GRCh38, 1-based): chr15:40,185,218, A>C. VCF-style: chr15-40185218-A-C. GRCh37 (hg19) VCF-style: chr15-40477419-A-C.
Other names: short protein forms N269H.
Identifiers: ClinVar variation 4824247 (VCV004824247.1).
Genomic context (GRCh38, chr15:40,185,218, plus strand): 5'-CTCCTAGCTCCAAGCCAGAACAGAGGACTCCAAAATCCATTTCCTCAACAGATGCAAAAT[A>C]ATAGTAGAATTACTGTTTTTGATGAAAATGCTGATGAGGCTTCTACAGCAGAGTTGTCTA-3'
Protein context (NP_001202.5, residues 259-279): QNPFPQQMQN[Asn269His]SRITVFDENA

ClinVar aggregate classification (germline): Uncertain significance (1 of 4 stars; one submission).

Conditions:
Inborn genetic diseases. Identifiers: MedGen C0950123, MeSH D030342.

Submission:

Ambry Genetics
Classification: Uncertain significance for Inborn genetic diseases. Last evaluated: 2026-02-19. Review status: criteria provided, single submitter. Criteria: Ambry Variant Classification Scheme 2023. Collection method: clinical testing. Allele origin: germline.
Comment: The p.N269H variant (also known as c.805A>C), located in coding exon 7 of the BUB1B gene, results from an A to C substitution at nucleotide position 805. The asparagine at codon 269 is replaced by histidine, an amino acid with similar properties. This amino acid position is conserved. In addition, this alteration is predicted to be tolerated by in silico analysis. Based on the available evidence, the clinical significance of this variant remains unclear.